The following is an entry in ClinVar:

NM_002474.3(MYH11):c.2384C>T (p.Ala795Val)

Gene: MYH11 (myosin heavy chain 11; minus strand). Cytogenetic location: 16p13.11.
Variant type: single nucleotide variant.
Coding change: c.2384C>T on transcript NM_002474.3 (MANE Select); coding-DNA position 2384, C replaced by T.
Protein change: p.Ala795Val; replaces alanine 795 with valine.
Molecular consequence: missense variant.
Genome position (GRCh38, 1-based): chr16:15,747,597, G>A on the plus strand (C>T on the coding strand, the complement: MYH11 is on the minus strand). VCF-style: chr16-15747597-G-A. GRCh37 (hg19) VCF-style: chr16-15841454-G-A.
Other names: c.2405C>T, p.Ala802Val (NM_001040113.2, NM_001040114.2); c.2384C>T, p.Ala795Val (NM_022844.3); short protein forms A795V, A802V.
Identifiers: ClinVar variation 3070984 (VCV003070984.2), dbSNP rs761994488, ClinGen allele CA394867175.

ClinVar aggregate classification (germline): Uncertain significance. Review status: criteria provided, multiple submitters, no conflicts (2 of 4 stars). 2 submissions from 2 submitters: Uncertain significance (2). Last evaluated 2025-07-07.

Conditions:
Familial thoracic aortic aneurysm and aortic dissection (TAAD). Also called: Thoracic aortic aneurysms and dissections. Identifiers: Orphanet 91387, MedGen C4707243, MONDO:0019625.

Submissions (2):

Color Diagnostics, LLC DBA Color Health
Classification: Uncertain significance for Familial thoracic aortic aneurysm and aortic dissection. Last evaluated: 2025-07-07. Review status: criteria provided, single submitter. Criteria: ACMG Guidelines, 2015. Collection method: clinical testing. Allele origin: germline.
Comment: This missense variant replaces alanine with valine at codon 802 of the MYH11 protein. Computational prediction suggests that this variant may have deleterious impact on protein structure and function. To our knowledge, functional studies have not been reported for this variant. This variant has not been reported in individuals affected with MYH11-related disorders in the literature. This variant has not been identified in the general population by the Genome Aggregation Database (gnomAD). The available evidence is insufficient to determine the role of this variant in disease conclusively. Therefore, this variant is classified as a Variant of Uncertain Significance.

All of Us Research Program, National Institutes of Health
Classification: Uncertain significance for Familial thoracic aortic aneurysm and aortic dissection. Last evaluated: 2023-05-16. Review status: criteria provided, single submitter. Criteria: ACMG Guidelines, 2015. Collection method: clinical testing. Allele origin: germline. Inheritance: Autosomal dominant inheritance. Observed: 1 variant allele, 1 heterozygote.
Comment: This missense variant replaces alanine with valine at codon 802 of the MYH11 protein. Computational prediction suggests that this variant may have deleterious impact on protein structure and function (internally defined REVEL score threshold >= 0.7, PMID: 27666373). To our knowledge, functional studies have not been reported for this variant. This variant has not been reported in individuals affected with MYH11-related disorders in the literature. This variant has not been identified in the general population by the Genome Aggregation Database (gnomAD). The available evidence is insufficient to determine the role of this variant in disease conclusively. Therefore, this variant is classified as a Variant of Uncertain Significance.

This study involves interpretation of variants in research participants for the purpose of population health screening. Participant phenotype was not available at the time of variant classification. Additional details can be found in publication PMID: 35346344, PMCID: PMC8962531